The following is an entry in ClinVar:

ClinVar aggregate classification (oncogenicity): Oncogenic (1 of 4 stars; one submission).

Conditions:
Meningioma. Also called: Meningioma, somatic. Identifiers: Orphanet 2495, MedGen C0025286, MONDO:0016642, HP:0002858.

Submission:

Dr. Guy Rouleau's laboratory, McGill University
Classification: Oncogenic for Meningioma. Last evaluated: 2025-03-30. Review status: criteria provided, single submitter. Criteria: ClinGen/CGC/VICC Guidelines for Oncogenicity, 2022. Collection method: research. Allele origin: somatic. Affected: yes.
Comment: This frameshift variant generates a premature translational stop signal (p.Asn36fs) in the NF2 gene, which is expected to result in an absent or disrupted protein product. Loss-of-function variants in NF2 are well-documented as pathogenic (PMIDs: 8755919, 9643284, 16983642). This somatic variant was identified in a paired tumor-blood sequencing study of meningiomas. It has not been reported in population databases (gnomAD v2.1.1: no frequency).

NM_000268.4(NF2):c.108_109del (p.Asn36fs)

Gene: NF2 (NF2, moesin-ezrin-radixin like (MERLIN) tumor suppressor; plus strand). Cytogenetic location: 22q12.2.
Variant type: Deletion.
Coding change: c.108_109del on transcript NM_000268.4 (MANE Select); coding-DNA positions 108 to 109, 2 bases deleted (TT; older notation c.108_109delTT).
Protein change: p.Asn36fs; shifts the reading frame from asparagine 36.
Molecular consequence: frameshift variant. On other transcripts: 5 prime UTR variant (4), non-coding transcript variant (1).
Genome position (GRCh38, 1-based): chr22:29,604,106-29,604,107, TT deleted. VCF-style (leftmost placement, unchanged base first): chr22-29604105-ATT-A. GRCh37 (hg19) VCF-style: chr22-30000094-ATT-A.
Other names: c.-123_-122del (NM_001407053.1, NM_001407056.1); c.108_109del, p.Asn36fs (NM_001407054.1, NM_001407055.1, NM_001407057.1 and 15 more transcripts); c.-533_-532del (NM_001407065.1); c.-149_-148del (NM_001407067.1); short protein forms N36fs.
Identifiers: ClinVar variation 3897734 (VCV003897734.1).